The following is an entry in ClinVar:

NM_003743.5(NCOA1):c.3881+5G>A

Gene: NCOA1 (nuclear receptor coactivator 1; plus strand). Cytogenetic location: 2p23.3.
Variant type: single nucleotide variant.
Coding change: c.3881+5G>A on transcript NM_003743.5 (MANE Select); 5 bases into the intron after coding-DNA position 3881, G replaced by A.
Molecular consequence: intron variant.
Genome position (GRCh38, 1-based): chr2:24,752,161, G>A. VCF-style: chr2-24752161-G-A. GRCh37 (hg19) VCF-style: chr2-24975030-G-A.
Other names: NC_000002.11:g.24975030G>A; c.3881+5G>A (NM_001362950.1, NM_147223.3, NM_001362955.1 and 3 more transcripts).
Identifiers: ClinVar variation 3034601 (VCV003034601.4), dbSNP rs772131644, ClinGen allele CA1552732.
Genomic context (GRCh38, chr2:24,752,161, plus strand): 5'-GGGTATCAGTCACCAGACATGAAGGCCTGGCAGCAAGGAGCGATAGGAAACAACAAGTAA[G>A]GGGGCAGTTTTTATATATGAGCATCCTTGATACTGTGATAAATCCTTGATACTGATAAAT-3'

ClinVar aggregate classification (germline): Uncertain significance (1 of 4 stars; one submission).

Conditions:
NCOA1-related disorder. Also called: NCOA1-related condition.

Allele frequency attached by ClinVar (database versions not stated): gnomAD 0.00001; TOPMed 0.00001; ExAC 0.00002.
gnomAD v4.1: 19 of 1,613,152 alleles (0.0012%); highest among the groups gnomAD compares: African/African-American, 0.0027%; no homozygotes.

Submissions (2):

PreventionGenetics, part of Exact Sciences
Classification: Uncertain significance for NCOA1-related condition. Last evaluated: 2026-07-19. Review status: criteria provided, single submitter. Criteria: ACMG Guidelines, 2015. Collection method: clinical testing. Allele origin: germline.
Comment: The NCOA1 c.3881+5G>A variant is predicted to interfere with splicing. To our knowledge, this variant has not been reported in the literature. This variant is reported in 0.0027% of alleles in individuals of European (Non-Finnish) descent in gnomAD. At this time, the clinical significance of this variant is uncertain due to the absence of conclusive functional and genetic evidence.

Dr. Peter K. Rogan Lab, Western University
No classification provided (evidence only). Condition: Sarcoma. Review status: no classification provided. Collection method: in vitro. Allele origin: not applicable. Functional consequence: skipped exon, retained intron. Not counted in ClinVar's aggregate classification.